The following is an entry in ClinVar:

ClinVar aggregate classification (germline): Benign (1 of 4 stars; one submission).

Allele frequency attached by ClinVar (database versions not stated): 1000 Genomes Project 0.11641; 1000 Genomes Project 30x 0.11852; gnomAD exomes 0.15869 and 0.18882; TOPMed 0.16230; ExAC 0.16508; gnomAD 0.17220 and 0.17548; ESP Exome Variant Server 0.19022.
gnomAD v4.1: 301,452 of 1,612,656 alleles (19%); highest among the groups gnomAD compares: Non-Finnish European, 20%; 29,821 homozygotes.

Submission:

Laboratory for Molecular Medicine, Mass General Brigham Personalized Medicine
Classification: Benign. Last evaluated: 2016-03-29. Review status: criteria provided, single submitter. Criteria: LMM Criteria. Collection method: clinical testing. Allele origin: germline.
Comment: Variant identified in a genome or exome case(s) and assessed due to predicted null impact of the variant or pathogenic assertions in the literature or databases. Disclaimer: This variant has not undergone full assessment. The following are preliminary notes: Frequency

NM_001101648.2(NPC1L1):c.3807T>C (p.Val1269=)

Gene: NPC1L1 (NPC1 like intracellular cholesterol transporter 1; minus strand). Cytogenetic location: 7p13.
Variant type: single nucleotide variant.
Coding change: c.3807T>C on transcript NM_001101648.2 (MANE Select); coding-DNA position 3807, T replaced by C.
Protein change: p.Val1269=; no amino-acid change (valine 1269 retained).
Molecular consequence: synonymous variant.
Genome position (GRCh38, 1-based): chr7:44,513,639, A>G on the plus strand (T>C on the coding strand, the complement: NPC1L1 is on the minus strand). VCF-style: chr7-44513639-A-G. GRCh37 (hg19) VCF-style: chr7-44553238-A-G.
Other names: c.3888T>C, p.Val1296= (NM_013389.3).
Identifiers: ClinVar variation 403255 (VCV000403255.4), dbSNP rs217434, ClinGen allele CA4241386.
Genomic context (GRCh38, chr7:44,513,639, plus strand): 5'-CACCATGACTGCTGCCACCGCCTCCTCAGCCCGCTTCTGCTCCAGTGCCAGAGCCGGGTT[A>G]ACGTCAGGCCCTGCGGAGAGACAGAGAACCACAGTCAGAGAGGTGGGCAGGGGACACAGG-3'
Protein context (NP_001095118.1, residues 1259-1279): PVILSYVGPD[Val1269=]NPALALEQKR